The following is an entry in ClinVar:

ClinVar aggregate classification (germline): Likely benign. Review status: criteria provided, multiple submitters, no conflicts (2 of 4 stars). 6 submissions from 6 submitters: Likely benign (5). 1 of the submissions does not count toward it. Last evaluated 2025-12-19.

Conditions:
RTTN-related disorder. Also called: RTTN-related condition.
Inborn genetic diseases. Identifiers: MedGen C0950123, MeSH D030342.

Allele frequency attached by ClinVar (database versions not stated): gnomAD exomes 0.00019 and 0.00052; ExAC 0.00056; ESP Exome Variant Server 0.00159; gnomAD 0.00188 and 0.00192; TOPMed 0.00217; 1000 Genomes Project 0.00220; 1000 Genomes Project 30x 0.00312.
gnomAD v4.1: 581 of 1,613,278 alleles (0.036%); highest among the groups gnomAD compares: African/African-American, 0.66%; 1 homozygote.

Submissions (6):

Labcorp Genetics (formerly Invitae), Labcorp
Classification: Likely benign. Last evaluated: 2025-12-19. Review status: criteria provided, single submitter. Criteria: Invitae Variant Classification Sherloc (09022015). Collection method: clinical testing. Allele origin: germline.

Ambry Genetics
Classification: Likely benign for Inborn genetic diseases. Last evaluated: 2021-10-29. Review status: criteria provided, single submitter. Criteria: Ambry Variant Classification Scheme 2023. Collection method: clinical testing. Allele origin: germline.

GeneDx
Classification: Likely benign. Last evaluated: 2020-12-28. Review status: criteria provided, single submitter. Criteria: GeneDx Variant Classification Process June 2021. Collection method: clinical testing. Allele origin: germline. Affected: yes.

Genetic Services Laboratory, University of Chicago
Classification: Likely benign. Last evaluated: 2018-09-11. Review status: criteria provided, single submitter. Criteria: ACMG Guidelines, 2015. Collection method: clinical testing. Allele origin: germline. Affected: no.

Breakthrough Genomics
Classification: Likely benign. Review status: criteria provided, single submitter. Criteria: ACMG Guidelines, 2015. Collection method: not provided. Allele origin: germline. Inheritance: Autosomal recessive inheritance. Affected: yes.

PreventionGenetics, part of Exact Sciences
Classification: Likely benign for RTTN-related condition. Last evaluated: 2019-05-07. Review status: no assertion criteria provided. Collection method: clinical testing. Allele origin: germline. Not counted in ClinVar's aggregate classification.
Comment: This variant is classified as likely benign based on ACMG/AMP sequence variant interpretation guidelines (Richards et al. 2015 PMID: 25741868, with internal and published modifications).

NM_173630.4(RTTN):c.1330G>A (p.Gly444Arg)

Gene: RTTN (rotatin; minus strand). Cytogenetic location: 18q22.2.
Variant type: single nucleotide variant.
Coding change: c.1330G>A on transcript NM_173630.4 (MANE Select); coding-DNA position 1330, G replaced by A.
Protein change: p.Gly444Arg; replaces glycine 444 with arginine.
Molecular consequence: missense variant. On other transcripts: 5 prime UTR variant (1).
Genome position (GRCh38, 1-based): chr18:70,176,821, C>T on the plus strand (G>A on the coding strand, the complement: RTTN is on the minus strand). VCF-style: chr18-70176821-C-T. GRCh37 (hg19) VCF-style: chr18-67844057-C-T.
Other names: c.-1224G>A (NM_001318520.2); short protein forms G444R.
Identifiers: ClinVar variation 212076 (VCV000212076.22), dbSNP rs199780405, ClinGen allele CA206903.
Genomic context (GRCh38, chr18:70,176,821, plus strand): 5'-CCTCTGGCTGCTCCAAACTGATACTACTTTTATGGTAGCACATGGTTTCTCCAAGGGCTC[C>T]CAACACCAGGAGTAGTTTCTCCTTCTGAAAACATTTACACAACATGAAACAGAAGAAAAC-3'
Protein context (NP_775901.3, residues 434-454): DMKEKLLLVL[Gly444Arg]ALGETMCYHK